The following is an entry in ClinVar:

ClinVar aggregate classification (germline): Uncertain significance. Review status: criteria provided, multiple submitters, no conflicts (2 of 4 stars). 2 submissions from 2 submitters: Uncertain significance (2). Last evaluated 2025-06-16.

Conditions:
Hereditary cancer-predisposing syndrome. Also called: Hereditary Cancer Syndrome; Hereditary neoplastic syndrome; Tumor predisposition; Neoplastic Syndromes, Hereditary. Identifiers: Orphanet 140162, MedGen C0027672, MeSH D009386, MONDO:0015356.

Submissions (2):

Ambry Genetics
Classification: Uncertain significance for Hereditary cancer-predisposing syndrome. Last evaluated: 2025-06-16. Review status: criteria provided, single submitter. Criteria: Ambry Variant Classification Scheme 2023. Collection method: clinical testing. Allele origin: germline.
Comment: The c.312_314delCAA variant (also known as p.N104del) is located in coding exon 2 of the NTHL1 gene. This variant results from an in-frame CAA deletion at nucleotide positions 312 to 314. This results in the in-frame deletion of an asparagine at codon 104. This amino acid position is poorly conserved in available vertebrate species. In addition, this alteration is predicted to be deleterious by in silico analysis (Choi Y et al. PLoS ONE. 2012; 7(10):e46688). Based on the available evidence, the clinical significance of this alteration remains unclear.

Labcorp Genetics (formerly Invitae), Labcorp
Classification: Uncertain significance. Last evaluated: 2023-07-26. Review status: criteria provided, single submitter. Criteria: Invitae Variant Classification Sherloc (09022015). Collection method: clinical testing. Allele origin: germline.
Comment: In summary, the available evidence is currently insufficient to determine the role of this variant in disease. Therefore, it has been classified as a Variant of Uncertain Significance. Experimental studies and prediction algorithms are not available or were not evaluated, and the functional significance of this variant is currently unknown. ClinVar contains an entry for this variant (Variation ID: 841583). This variant has not been reported in the literature in individuals affected with NTHL1-related conditions. This variant is not present in population databases (gnomAD no frequency). This variant, c.312_314del, results in the deletion of 1 amino acid(s) of the NTHL1 protein (p.Asn104del), but otherwise preserves the integrity of the reading frame.

NM_002528.7(NTHL1):c.288_290del (p.Asn96del)

Gene: NTHL1 (nth like DNA glycosylase 1; minus strand). Cytogenetic location: 16p13.3.
Variant type: Deletion.
Coding change: c.288_290del on transcript NM_002528.7 (MANE Select); coding-DNA positions 288 to 290, 3 bases deleted (CAA; older notation c.288_290delCAA).
Protein change: p.Asn96del; deletes asparagine 96.
Molecular consequence: inframe deletion. On other transcripts: intron variant (1).
Genome position (GRCh38, 1-based): chr16:2,046,192-2,046,194, TTG deleted on the plus strand (CAA on the coding strand, the reverse complement: NTHL1 is on the minus strand); deleting any 3 consecutive bases within chr16:2,046,192-2,046,196 gives the same sequence; the c. name uses the placement nearest the transcript's 3' end. VCF-style (leftmost placement, unchanged base first): chr16-2046191-TTTG-T. GRCh37 (hg19) VCF-style: chr16-2096192-TTTG-T.
Other names: c.312_314delCAA (NM_002528.5); c.288_290del, p.Asn96del (NM_001318193.2); c.24+86_24+88del (NM_001318194.2); short protein forms N96del.
Identifiers: ClinVar variation 841583 (VCV000841583.11), dbSNP rs2084368947, ClinGen allele CA916081753.
Genomic context (GRCh38, chr16:2,046,191, plus strand): 5'-TGGGGGGGCACTGGAGTCATAGCAGTGCTCAGTCCCCAGATGGTCCACAGGTGCATCCTT[TTTG>T]TTCCTCATGGCACGGATGTTGACCAGCTGTTGCTGCCAGTCCTGGGGCTCCCAGACTGGC-3'